The following is an entry in ClinVar:

NM_001136219.3(FCGR2A):c.418A>G (p.Met140Val)

Gene: FCGR2A (Fc gamma receptor IIa; plus strand). Cytogenetic location: 1q23.3.
Variant type: single nucleotide variant.
Coding change: c.418A>G on transcript NM_001136219.3 (MANE Select); coding-DNA position 418, A replaced by G.
Protein change: p.Met140Val; replaces methionine 140 with valine.
Molecular consequence: missense variant.
Genome position (GRCh38, 1-based): chr1:161,509,873, A>G. VCF-style: chr1-161509873-A-G. GRCh37 (hg19) VCF-style: chr1-161479663-A-G.
Other names: c.418A>G, p.Met140Val (NM_001375296.1); c.415A>G, p.Met139Val (NM_001375297.1, NM_021642.5); short protein forms M139V, M140V.
Identifiers: ClinVar variation 1285036 (VCV001285036.19), dbSNP rs4986941, ClinGen allele CA1210638.

ClinVar aggregate classification (germline): Likely benign. Review status: criteria provided, single submitter (1 of 4 stars). 3 submissions from 3 submitters: Likely benign (1). 2 of the submissions do not count toward it. Last evaluated 2025-09-01.

Allele frequency attached by ClinVar (database versions not stated): gnomAD exomes 0.00077 and 0.00082; ExAC 0.00086; ESP Exome Variant Server 0.00108; 1000 Genomes Project 0.00140; 1000 Genomes Project 30x 0.00156.

Submissions (3):

CeGaT Center for Human Genetics Tuebingen
Classification: Likely benign. Last evaluated: 2025-09-01. Review status: criteria provided, single submitter. Criteria: CeGaT Center For Human Genetics Tuebingen Variant Classification Criteria Version 2. Collection method: clinical testing. Allele origin: germline. Affected: yes. Observed: 2 variant alleles.
Comment: FCGR2A: BS1

Clinical Genetics DNA and cytogenetics Diagnostics Lab, Erasmus MC, Erasmus Medical Center
Classification: Likely benign. Review status: no assertion criteria provided. Collection method: clinical testing. Allele origin: germline. Affected: yes. Study: VKGL Data-share Consensus. Not counted in ClinVar's aggregate classification.

Genome Diagnostics Laboratory, University Medical Center Utrecht
Classification: Likely benign. Review status: no assertion criteria provided. Collection method: clinical testing. Allele origin: germline. Affected: yes. Study: VKGL Data-share Consensus. Not counted in ClinVar's aggregate classification.